The following is an entry in ClinVar:

NM_004369.4(COL6A3):c.497A>G (p.Lys166Arg)

Gene: COL6A3 (collagen type VI alpha 3 chain; minus strand). Cytogenetic location: 2q37.3.
Variant type: single nucleotide variant.
Coding change: c.497A>G on transcript NM_004369.4 (MANE Select); coding-DNA position 497, A replaced by G.
Protein change: p.Lys166Arg; replaces lysine 166 with arginine.
Molecular consequence: missense variant. On other transcripts: intron variant (4).
Genome position (GRCh38, 1-based): chr2:237,394,799, T>C on the plus strand (A>G on the coding strand, the complement: COL6A3 is on the minus strand). VCF-style: chr2-237394799-T-C. GRCh37 (hg19) VCF-style: chr2-238303442-T-C.
Other names: c.91+1928A>G (NM_057166.5, NM_057167.4, NM_057164.5 and 1 more transcripts); short protein forms K166R.
Identifiers: ClinVar variation 2172696 (VCV002172696.6), dbSNP rs781728804, ClinGen allele CA351226908.

ClinVar aggregate classification (germline): Uncertain significance. Review status: criteria provided, multiple submitters, no conflicts (2 of 4 stars). 2 submissions from 2 submitters: Uncertain significance (2). Last evaluated 2023-07-12.

Conditions:
Inborn genetic diseases. Identifiers: MedGen C0950123, MeSH D030342.
Bethlem myopathy 1A. Also called: Bethlem Muscular Dystrophy; MYOPATHY, BENIGN CONGENITAL, WITH CONTRACTURES; Bethlem myopathy 1. Identifiers: Orphanet 610, MedGen CN029274, MONDO:0024530, OMIM 158810.

Submissions (2):

Ambry Genetics
Classification: Uncertain significance for Inborn genetic diseases. Last evaluated: 2023-07-12. Review status: criteria provided, single submitter. Criteria: Ambry Variant Classification Scheme 2023. Collection method: clinical testing. Allele origin: germline.

Labcorp Genetics (formerly Invitae), Labcorp
Classification: Uncertain significance for Bethlem myopathy 1A. Last evaluated: 2022-03-15. Review status: criteria provided, single submitter. Criteria: Invitae Variant Classification Sherloc (09022015). Collection method: clinical testing. Allele origin: germline.
Comment: This sequence change replaces lysine, which is basic and polar, with arginine, which is basic and polar, at codon 166 of the COL6A3 protein (p.Lys166Arg). This variant is not present in population databases (gnomAD no frequency). This missense change has been observed in individual(s) with clinical features of autosomal recessive COL6A3-related conditions (Invitae). Advanced modeling of protein sequence and biophysical properties (such as structural, functional, and spatial information, amino acid conservation, physicochemical variation, residue mobility, and thermodynamic stability) performed at Invitae indicates that this missense variant is not expected to disrupt COL6A3 protein function. In summary, the available evidence is currently insufficient to determine the role of this variant in disease. Therefore, it has been classified as a Variant of Uncertain Significance.